The following is an entry in ClinVar:

NM_001244008.2(KIF1A):c.332A>G (p.Gln111Arg)

Gene: KIF1A (kinesin family member 1A; minus strand). Cytogenetic location: 2q37.3.
Variant type: single nucleotide variant.
Coding change: c.332A>G on transcript NM_001244008.2 (MANE Select); coding-DNA position 332, A replaced by G.
Protein change: p.Gln111Arg; replaces glutamine 111 with arginine.
Molecular consequence: missense variant.
Genome position (GRCh38, 1-based): chr2:240,788,082, T>C on the plus strand (A>G on the coding strand, the complement: KIF1A is on the minus strand). VCF-style: chr2-240788082-T-C. GRCh37 (hg19) VCF-style: chr2-241727499-T-C.
Other names: c.332A>G, p.Gln111Arg (NM_001320705.2, NM_001330289.2, NM_001330290.2 and 20 more transcripts); short protein forms Q111R.
Identifiers: ClinVar variation 3753719 (VCV003753719.2).

ClinVar aggregate classification (germline): Uncertain significance (1 of 4 stars; one submission).

Conditions:
Neuropathy, hereditary sensory, type 2C. Also called: KIF1A-Related HSAN2 (HSAN2C); Hereditary sensory and autonomic neuropathy type IIC. Identifiers: Orphanet 970, MedGen C3280168, MONDO:0013634, OMIM 614213.
Hereditary spastic paraplegia 30. Identifiers: Orphanet 101010, MedGen C5235139, MONDO:0012476.
Intellectual disability, autosomal dominant 9 (NESCAVS). Also called: KIF1A-Related Neurodevelopmental Disorder; NESCAV SYNDROME. Identifiers: Orphanet 662367, MedGen C5393830, MONDO:0013656, OMIM 614255.

Submission:

Labcorp Genetics (formerly Invitae), Labcorp
Classification: Uncertain significance for Hereditary spastic paraplegia 30; Neuropathy, hereditary sensory, type 2C; Intellectual disability, autosomal dominant 9. Last evaluated: 2024-03-24. Review status: criteria provided, single submitter. Criteria: Invitae Variant Classification Sherloc (09022015). Collection method: clinical testing. Allele origin: germline.
Comment: This sequence change replaces glutamine, which is neutral and polar, with arginine, which is basic and polar, at codon 111 of the KIF1A protein (p.Gln111Arg). This variant is not present in population databases (gnomAD no frequency). This variant has not been reported in the literature in individuals affected with KIF1A-related conditions. Advanced modeling of protein sequence and biophysical properties (such as structural, functional, and spatial information, amino acid conservation, physicochemical variation, residue mobility, and thermodynamic stability) performed at Invitae indicates that this missense variant is expected to disrupt KIF1A protein function with a positive predictive value of 95%. In summary, the available evidence is currently insufficient to determine the role of this variant in disease. Therefore, it has been classified as a Variant of Uncertain Significance.